The following is an entry in ClinVar:

ClinVar aggregate classification (germline): not provided (0 of 4 stars; one submission).

Conditions:
Severe myoclonic epilepsy in infancy (DRVT). Also called: SEVERE MYOCLONIC EPILEPSY OF INFANCY; DEVELOPMENTAL AND EPILEPTIC ENCEPHALOPATHY 6A; Severe Myoclonic Epilepsy in Infancy (SMEI); Dravet syndrome; Epileptic encephalopathy, early infantile, 6 (Dravet syndrome). Identifiers: Orphanet 33069, MedGen C0751122, MONDO:0100135, OMIM 607208.

Submission:

UniProtKB/Swiss-Prot
No classification provided. Condition: Severe myoclonic epilepsy in infancy. Review status: no classification provided. Collection method: not provided. Allele origin: germline.
Comment: Atypical severe myoclonic epilepsy in infancy

NM_001165963.4(SCN1A):c.3789C>G (p.Phe1263Leu)

Genes: SCN1A (sodium voltage-gated channel alpha subunit 1; minus strand), LOC102724058 (uncharacterized LOC102724058; plus strand). Cytogenetic location: 2q24.3.
Variant type: single nucleotide variant.
Coding change: c.3789C>G on transcript NM_001165963.4 (MANE Select); coding-DNA position 3789, C replaced by G.
Protein change: p.Phe1263Leu; replaces phenylalanine 1263 with leucine.
Molecular consequence: missense variant. On other transcripts: non-coding transcript variant (1).
Genome position (GRCh38, 1-based): chr2:166,012,199, G>C on the plus strand (C>G on the coding strand, the complement: SCN1A is on the minus strand). VCF-style: chr2-166012199-G-C. GRCh37 (hg19) VCF-style: chr2-166868709-G-C.
Other names: c.3705C>G, p.Phe1235Leu (NM_001165964.3, NM_001353957.2, NM_001353958.2); c.3789C>G, p.Phe1263Leu (NM_001202435.3, NM_001353948.2); c.3756C>G, p.Phe1252Leu (NM_001353949.2, NM_001353950.2, NM_001353951.2 and 2 more transcripts); c.3753C>G, p.Phe1251Leu (NM_001353954.2, NM_001353955.2); c.3702C>G, p.Phe1234Leu (NM_001353960.2); c.1347C>G, p.Phe449Leu (NM_001353961.2); short protein forms F1252L, F1263L, F449L, F1251L, F1234L, F1235L.
Identifiers: ClinVar variation 68622 (VCV000068622.1), dbSNP rs121918752, ClinGen allele CA285144.
Genomic context (GRCh38, chr2:166,012,199, plus strand): 5'-GGCATTGGTGAAATATGTTTGATAGCCATATGCCACCCATTTTAGAAGCATTTCCAGAAT[G>C]AAAATGTAAGTGAAAACCTTGTCAGCATATTCCAACATCGTCTTAATCGTCTTTCGCTGA-3'
Protein context (NP_001159435.1, residues 1253-1273): EYADKVFTYI[Phe1263Leu]ILEMLLKWVA